The following is an entry in ClinVar:

ClinVar aggregate classification (germline): Uncertain significance. Review status: criteria provided, multiple submitters, no conflicts (2 of 4 stars). 2 submissions from 2 submitters: Uncertain significance (2). Last evaluated 2026-01-26.

Conditions:
Hypertrophic cardiomyopathy. Also called: HYPERTROPHIC MYOCARDIOPATHY. Identifiers: Orphanet 217569, MedGen C0007194, MeSH D002312, MONDO:0005045, HP:0001639.

Submissions (2):

Labcorp Genetics (formerly Invitae), Labcorp
Classification: Uncertain significance for Hypertrophic cardiomyopathy. Last evaluated: 2026-01-26. Review status: criteria provided, single submitter. Criteria: Invitae Variant Classification Sherloc (09022015). Collection method: clinical testing. Allele origin: germline.
Comment: This sequence change replaces phenylalanine, which is neutral and non-polar, with valine, which is neutral and non-polar, at codon 489 of the MYH7 protein (p.Phe489Val). This variant is not present in population databases (gnomAD no frequency). This missense change has been observed in individual(s) with clinical features of hypertrophic cardiomyopathy (internal data). ClinVar contains an entry for this variant (Variation ID: 1328812). Invitae Evidence Modeling of protein sequence and biophysical properties (such as structural, functional, and spatial information, amino acid conservation, physicochemical variation, residue mobility, and thermodynamic stability) indicates that this missense variant is expected to disrupt MYH7 protein function with a positive predictive value of 95%. In summary, the available evidence is currently insufficient to determine the role of this variant in disease. Therefore, it has been classified as a Variant of Uncertain Significance.

GeneDx
Classification: Uncertain significance. Last evaluated: 2021-06-17. Review status: criteria provided, single submitter. Criteria: GeneDx Variant Classification Process June 2021. Collection method: clinical testing. Allele origin: germline. Affected: yes.
Comment: Has not been previously published as pathogenic or benign to our knowledge; Not observed at significant frequency in large population cohorts (Lek et al., 2016); In silico analysis supports that this missense variant has a deleterious effect on protein structure/function; This variant is associated with the following publications: (PMID: 27535533, 27532257, 29300372)

NM_000257.4(MYH7):c.1465T>G (p.Phe489Val)

Gene: MYH7 (myosin heavy chain 7; minus strand). Cytogenetic location: 14q11.2.
Variant type: single nucleotide variant.
Coding change: c.1465T>G on transcript NM_000257.4 (MANE Select); coding-DNA position 1465, T replaced by G.
Protein change: p.Phe489Val; replaces phenylalanine 489 with valine.
Molecular consequence: missense variant.
Genome position (GRCh38, 1-based): chr14:23,428,613, A>C on the plus strand (T>G on the coding strand, the complement: MYH7 is on the minus strand). VCF-style: chr14-23428613-A-C. GRCh37 (hg19) VCF-style: chr14-23897822-A-C.
Other names: short protein forms F489V.
Identifiers: ClinVar variation 1328812 (VCV001328812.3), dbSNP rs1892794236, ClinGen allele CA389050539.
Genomic context (GRCh38, chr14:23,428,613, plus strand): 5'-TCCACTCGATGCCCTCCTTCTTGTACTCCTCCTGCTCCAGCACAAACATGTGGTGGTTGA[A>C]GAACTGCTGCAGCTTCTCGTTGGTGAAGTTGATGCAGAGCTGCTCAAAGCTGTTGAACTG-3'
Protein context (NP_000248.2, residues 479-499): NFTNEKLQQF[Phe489Val]NHHMFVLEQE